The following is an entry in ClinVar:

NM_000535.7(PMS2):c.1184C>G (p.Pro395Arg)

Gene: PMS2 (PMS1 homolog 2, mismatch repair system component; minus strand). Cytogenetic location: 7p22.1.
Variant type: single nucleotide variant.
Coding change: c.1184C>G on transcript NM_000535.7 (MANE Select); coding-DNA position 1184, C replaced by G.
Protein change: p.Pro395Arg; replaces proline 395 with arginine.
Molecular consequence: missense variant. On other transcripts: non-coding transcript variant (1).
Genome position (GRCh38, 1-based): chr7:5,987,581, G>C on the plus strand (C>G on the coding strand, the complement: PMS2 is on the minus strand). VCF-style: chr7-5987581-G-C. GRCh37 (hg19) VCF-style: chr7-6027212-G-C.
Other names: c.779C>G, p.Pro260Arg (NM_001322003.2, NM_001322004.2, NM_001322005.2 and 1 more transcripts); c.1028C>G, p.Pro343Arg (NM_001322006.2); c.866C>G, p.Pro289Arg (NM_001322007.2, NM_001322008.2); c.623C>G, p.Pro208Arg (NM_001322010.2); c.251C>G, p.Pro84Arg (NM_001322011.2, NM_001322012.2); c.611C>G, p.Pro204Arg (NM_001322013.2); c.1184C>G, p.Pro395Arg (NM_001322014.2); c.875C>G, p.Pro292Arg (NM_001322015.2); short protein forms P343R, P204R, P260R, P208R, P395R, P84R, P289R, P292R.
Identifiers: ClinVar variation 955190 (VCV000955190.9), dbSNP rs1783180882, ClinGen allele CA366742615.

ClinVar aggregate classification (germline): Uncertain significance (1 of 4 stars; one submission).

Conditions:
Hereditary nonpolyposis colorectal neoplasms. Identifiers: MedGen C0009405, MeSH D003123.

Submission:

Labcorp Genetics (formerly Invitae), Labcorp
Classification: Uncertain significance for Hereditary nonpolyposis colorectal neoplasms. Last evaluated: 2019-09-19. Review status: criteria provided, single submitter. Criteria: Invitae Variant Classification Sherloc (09022015). Collection method: clinical testing. Allele origin: germline.
Comment: In summary, the available evidence is currently insufficient to determine the role of this variant in disease. Therefore, it has been classified as a Variant of Uncertain Significance. Algorithms developed to predict the effect of missense changes on protein structure and function (SIFT, PolyPhen-2, Align-GVGD) all suggest that this variant is likely to be tolerated, but these predictions have not been confirmed by published functional studies and their clinical significance is uncertain. This variant has not been reported in the literature in individuals with PMS2-related conditions. This variant is not present in population databases (ExAC no frequency). This sequence change replaces proline with arginine at codon 395 of the PMS2 protein (p.Pro395Arg). The proline residue is weakly conserved and there is a moderate physicochemical difference between proline and arginine.